The following is an entry in ClinVar:

ClinVar aggregate classification (germline): Uncertain significance (1 of 4 stars; one submission).

Conditions:
Duchenne muscular dystrophy (DMD). Also called: MUSCULAR DYSTROPHY, PSEUDOHYPERTROPHIC PROGRESSIVE, DUCHENNE TYPE; Duchenne Muscular Dystrophy (DMD). Identifiers: Orphanet 98896, MedGen C0013264, MONDO:0010679, OMIM 310200.

Submission:

Labcorp Genetics (formerly Invitae), Labcorp
Classification: Uncertain significance for Duchenne muscular dystrophy. Last evaluated: 2024-10-16. Review status: criteria provided, single submitter. Criteria: Invitae Variant Classification Sherloc (09022015). Collection method: clinical testing. Allele origin: germline.
Comment: This sequence change replaces lysine, which is basic and polar, with glutamic acid, which is acidic and polar, at codon 657 of the DMD protein (p.Lys657Glu). This variant is not present in population databases (gnomAD no frequency). This variant has not been reported in the literature in individuals affected with DMD-related conditions. Invitae Evidence Modeling of protein sequence and biophysical properties (such as structural, functional, and spatial information, amino acid conservation, physicochemical variation, residue mobility, and thermodynamic stability) indicates that this missense variant is not expected to disrupt DMD protein function with a negative predictive value of 95%. In summary, the available evidence is currently insufficient to determine the role of this variant in disease. Therefore, it has been classified as a Variant of Uncertain Significance.

NM_004006.3(DMD):c.1969A>G (p.Lys657Glu)

Gene: DMD (dystrophin; minus strand). Cytogenetic location: Xp21.1.
Variant type: single nucleotide variant.
Coding change: c.1969A>G on transcript NM_004006.3 (MANE Select); coding-DNA position 1969, A replaced by G.
Protein change: p.Lys657Glu; replaces lysine 657 with glutamic acid.
Molecular consequence: missense variant.
Genome position (GRCh38, 1-based): chrX:32,565,725, T>C on the plus strand (A>G on the coding strand, the complement: DMD is on the minus strand). VCF-style: chrX-32565725-T-C. GRCh37 (hg19) VCF-style: chrX-32583842-T-C.
Other names: c.1945A>G, p.Lys649Glu (NM_000109.4); c.1957A>G, p.Lys653Glu (NM_004009.3); c.1600A>G, p.Lys534Glu (NM_004010.3); short protein forms K534E, K657E, K649E, K653E.
Identifiers: ClinVar variation 3670567 (VCV003670567.2).